The following is an entry in ClinVar:

NM_025137.4(SPG11):c.3670A>C (p.Lys1224Gln)

Gene: SPG11 (SPG11 vesicle trafficking associated, spatacsin; minus strand). Cytogenetic location: 15q21.1.
Variant type: single nucleotide variant.
Coding change: c.3670A>C on transcript NM_025137.4 (MANE Select); coding-DNA position 3670, A replaced by C.
Protein change: p.Lys1224Gln; replaces lysine 1224 with glutamine.
Molecular consequence: missense variant.
Genome position (GRCh38, 1-based): chr15:44,600,483, T>G on the plus strand (A>C on the coding strand, the complement: SPG11 is on the minus strand). VCF-style: chr15-44600483-T-G. GRCh37 (hg19) VCF-style: chr15-44892681-T-G.
Other names: c.3670A>C, p.Lys1224Gln (NM_001160227.2); short protein forms K1224Q.
Identifiers: ClinVar variation 1474693 (VCV001474693.8), dbSNP rs2140982065, ClinGen allele CA392231053.

ClinVar aggregate classification (germline): Uncertain significance (1 of 4 stars; one submission).

Conditions:
Hereditary spastic paraplegia 11. Also called: Autosomal recessive hereditary spastic paraplegia, mental impairment, and thin corpus callosum; SPASTIC PARAPLEGIA, AUTOSOMAL RECESSIVE, COMPLICATED, WITH THIN CORPUS CALLOSUM; SPASTIC PARAPLEGIA, AUTOSOMAL RECESSIVE, WITH MENTAL IMPAIRMENT AND THIN CORPUS CALLOSUM; Spastic paraplegia, mental retardation and thin corpus callosum; Spastic Paraplegia 11; Nakamura Osame syndrome. Identifiers: Orphanet 2822, MedGen C1858479, MONDO:0011445, OMIM 604360.

Submission:

Labcorp Genetics (formerly Invitae), Labcorp
Classification: Uncertain significance for Hereditary spastic paraplegia 11. Last evaluated: 2021-04-16. Review status: criteria provided, single submitter. Criteria: Invitae Variant Classification Sherloc (09022015). Collection method: clinical testing. Allele origin: germline.
Comment: This variant has not been reported in the literature in individuals with SPG11-related conditions. This variant is not present in population databases (ExAC no frequency). This sequence change replaces lysine with glutamine at codon 1224 of the SPG11 protein (p.Lys1224Gln). The lysine residue is highly conserved and there is a small physicochemical difference between lysine and glutamine. Algorithms developed to predict the effect of missense changes on protein structure and function are either unavailable or do not agree on the potential impact of this missense change (SIFT: "Tolerated"; PolyPhen-2: "Possibly Damaging"; Align-GVGD: "Class C0"). In summary, the available evidence is currently insufficient to determine the role of this variant in disease. Therefore, it has been classified as a Variant of Uncertain Significance.